The following is an entry in ClinVar:

NM_004822.3(NTN1):c.1018+5374C>T

Gene: NTN1 (netrin 1; plus strand). Cytogenetic location: 17p13.1.
Variant type: single nucleotide variant.
Coding change: c.1018+5374C>T on transcript NM_004822.3 (MANE Select); 5374 bases into the intron after coding-DNA position 1018, C replaced by T.
Molecular consequence: intron variant.
Genome position (GRCh38, 1-based): chr17:9,028,765, C>T. VCF-style: chr17-9028765-C-T. GRCh37 (hg19) VCF-style: chr17-8932082-C-T.
Identifiers: ClinVar variation 692209 (VCV000692209.4), dbSNP rs4791331, ClinGen allele CA14430365.

ClinVar aggregate classification (germline): Benign. Review status: criteria provided, single submitter (1 of 4 stars). 2 submissions from 2 submitters: Benign (1). 1 of the submissions does not count toward it. Last evaluated 2021-02-24.

Conditions:
Nonsyndromic cleft lip with or without cleft palate. Identifiers: MedGen C1861538.

Allele frequency attached by ClinVar (database versions not stated): TOPMed 0.52856; 1000 Genomes Project 30x 0.49578; gnomAD 0.51976 and 0.52844; 1000 Genomes Project 0.48383.
gnomAD v4.1: 78,919 of 152,042 alleles (52%); highest among the groups gnomAD compares: African/African-American, 69%; 21,610 homozygotes.

Submissions (2):

GeneDx
Classification: Benign. Last evaluated: 2021-02-24. Review status: criteria provided, single submitter. Criteria: GeneDx Variant Classification Process June 2021. Collection method: clinical testing. Allele origin: germline. Affected: yes.
Comment: This variant is associated with the following publications: (PMID: 31780810)

Jiangsu Key Laboratory of Oral Diseases, Nanjing Medical University
Classification: Uncertain significance for Nonsyndromic cleft lip with or without cleft palate. Last evaluated: 2019-01-02. Review status: no assertion criteria provided. Collection method: in vitro, in vivo. Allele origin: not applicable. Inheritance: Autosomal dominant inheritance. Functional consequence: functional variant. Not counted in ClinVar's aggregate classification.